The following is an entry in ClinVar:

ClinVar aggregate classification (germline): Pathogenic (1 of 4 stars; one submission).

Conditions:
Autosomal recessive nonsyndromic hearing loss 9. Also called: NEUROSENSORY NONSYNDROMIC RECESSIVE DEAFNESS 9; OTOF-Related Hearing Loss; Deafness, autosomal recessive 9; AUDITORY NEUROPATHY, AUTOSOMAL RECESSIVE, 1, TEMPERATURE-SENSITIVE. Identifiers: Orphanet 90636, MedGen C1832828, MONDO:0010986, OMIM 601071.

Submission:

Institute of Rare Diseases, West China Hospital, Sichuan University
Classification: Pathogenic for Autosomal recessive nonsyndromic hearing loss 9. Last evaluated: 2025-01-09. Review status: criteria provided, single submitter. Criteria: ClinGen HL ACMG Specifications v1. Collection method: research. Allele origin: germline. Affected: yes.
Comment: PVS1;PM3;PM2_Supporting

NM_194248.3(OTOF):c.5509del (p.His1837fs)

Gene: OTOF (otoferlin; minus strand). Cytogenetic location: 2p23.3.
Variant type: Deletion.
Coding change: c.5509del on transcript NM_194248.3 (MANE Select); coding-DNA position 5509, one base deleted (C; older notation c.5509delC).
Protein change: p.His1837fs; shifts the reading frame from histidine 1837.
Molecular consequence: frameshift variant.
Genome position (GRCh38, 1-based): chr2:26,461,720, G deleted on the plus strand (C on the coding strand, the reverse complement: OTOF is on the minus strand); the first of 2 consecutive G bases (chr2:26,461,720-26,461,721); deleting either gives the same sequence. VCF-style (leftmost placement, unchanged base first): chr2-26461719-TG-T. GRCh37 (hg19) VCF-style: chr2-26684587-TG-T.
Other names: c.5509del, p.His1837fs (NM_001287489.2); c.3208del, p.His1070fs (NM_004802.4, NM_194323.3); c.3439del, p.His1147fs (NM_194322.3); short protein forms H1070fs, H1147fs, H1837fs.
Identifiers: ClinVar variation 3601556 (VCV003601556.1).